The following is an entry in ClinVar:

ClinVar aggregate classification (germline): Uncertain significance (1 of 4 stars; one submission).

Allele frequency attached by ClinVar (database versions not stated): TOPMed 0.00001; ExAC 0.00003; gnomAD 0.00005; 1000 Genomes Project 30x 0.00016; 1000 Genomes Project 0.00020.

Submission:

Labcorp Genetics (formerly Invitae), Labcorp
Classification: Uncertain significance. Last evaluated: 2024-06-13. Review status: criteria provided, single submitter. Criteria: Invitae Variant Classification Sherloc (09022015). Collection method: clinical testing. Allele origin: germline.
Comment: This sequence change replaces glycine, which is neutral and non-polar, with glutamic acid, which is acidic and polar, at codon 29 of the TUBB1 protein (p.Gly29Glu). This variant is present in population databases (rs200685447, gnomAD 0.008%). This variant has not been reported in the literature in individuals affected with TUBB1-related conditions. Advanced modeling of protein sequence and biophysical properties (such as structural, functional, and spatial information, amino acid conservation, physicochemical variation, residue mobility, and thermodynamic stability) performed at Invitae indicates that this missense variant is not expected to disrupt TUBB1 protein function with a negative predictive value of 80%. In summary, the available evidence is currently insufficient to determine the role of this variant in disease. Therefore, it has been classified as a Variant of Uncertain Significance.

NM_030773.4(TUBB1):c.86G>A (p.Gly29Glu)

Gene: TUBB1 (tubulin beta 1 class VI; plus strand). Cytogenetic location: 20q13.32.
Variant type: single nucleotide variant.
Coding change: c.86G>A on transcript NM_030773.4 (MANE Select); coding-DNA position 86, G replaced by A.
Protein change: p.Gly29Glu; replaces glycine 29 with glutamic acid.
Molecular consequence: missense variant.
Genome position (GRCh38, 1-based): chr20:59,022,873, G>A. VCF-style: chr20-59022873-G-A. GRCh37 (hg19) VCF-style: chr20-57597928-G-A.
Other names: short protein forms G29E.
Identifiers: ClinVar variation 2872296 (VCV002872296.3), dbSNP rs200685447, ClinGen allele CA9928361.